The following is an entry in ClinVar:

NM_019066.5(MAGEL2):c.1210C>A (p.Gln404Lys)

Gene: MAGEL2 (MAGE family member L2; minus strand). Cytogenetic location: 15q11.2.
Variant type: single nucleotide variant.
Coding change: c.1210C>A on transcript NM_019066.5 (MANE Select); coding-DNA position 1210, C replaced by A.
Protein change: p.Gln404Lys; replaces glutamine 404 with lysine.
Molecular consequence: missense variant.
Genome position (GRCh38, 1-based): chr15:23,646,533, G>T on the plus strand (C>A on the coding strand, the complement: MAGEL2 is on the minus strand). VCF-style: chr15-23646533-G-T. GRCh37 (hg19) VCF-style: chr15-23891680-G-T.
Other names: short protein forms Q404K.
Identifiers: ClinVar variation 3702449 (VCV003702449.2).
Genomic context (GRCh38, chr15:23,646,533, plus strand): 5'-GGATGGGTGGTGGGCCAGGGCGGATGGGCGGGGGCCCCTGGCGCATGGGCGGCGGCACCT[G>T]CCAGGTAACGGCTGGTGCCTGCCAGGTGACCTGCGTGGTCTGCCAAGTCAGGGGAGTGGC-3'
Protein context (NP_061939.3, residues 394-414): VTWQAPAVTW[Gln404Lys]VPPPMRQGPP

ClinVar aggregate classification (germline): Uncertain significance (1 of 4 stars; one submission).

Submission:

Labcorp Genetics (formerly Invitae), Labcorp
Classification: Uncertain significance. Last evaluated: 2024-11-24. Review status: criteria provided, single submitter. Criteria: Invitae Variant Classification Sherloc (09022015). Collection method: clinical testing. Allele origin: germline.
Comment: This sequence change replaces glutamine, which is neutral and polar, with lysine, which is basic and polar, at codon 404 of the MAGEL2 protein (p.Gln404Lys). This variant is present in population databases (no rsID available, gnomAD 0.02%). This variant has not been reported in the literature in individuals affected with MAGEL2-related conditions. Experimental studies and prediction algorithms are not available or were not evaluated, and the functional significance of this variant is currently unknown. In summary, the available evidence is currently insufficient to determine the role of this variant in disease. Therefore, it has been classified as a Variant of Uncertain Significance.